The following is an entry in ClinVar:

NM_000212.3(ITGB3):c.1458C>G (p.Cys486Trp)

Gene: ITGB3 (integrin subunit beta 3; plus strand). Cytogenetic location: 17q21.32.
Variant type: single nucleotide variant.
Coding change: c.1458C>G on transcript NM_000212.3 (MANE Select); coding-DNA position 1458, C replaced by G.
Protein change: p.Cys486Trp; replaces cysteine 486 with tryptophan.
Molecular consequence: missense variant.
Genome position (GRCh38, 1-based): chr17:47,292,336, C>G. VCF-style: chr17-47292336-C-G. GRCh37 (hg19) VCF-style: chr17-45369702-C-G.
Other names: short protein forms C486W.
Identifiers: ClinVar variation 953012 (VCV000953012.4), dbSNP rs1255017270, ClinGen allele CA400029369.

ClinVar aggregate classification (germline): Likely pathogenic (3 of 4 stars; one submission).

Conditions:
Glanzmann thrombasthenia. Also called: BLEEDING DISORDER, PLATELET-TYPE, 2; THROMBASTHENIA OF GLANZMANN AND NAEGELI; PLATELET GLYCOPROTEIN IIb-IIIa DEFICIENCY; Glanzmann's thrombasthenia; Thrombasthenia. Identifiers: Orphanet 849, MedGen C0040015, MONDO:0100326.

Submission:

ClinGen Platelet Disorders Variant Curation Expert Panel, ClinGen
Classification: Likely pathogenic for Glanzmann thrombasthenia. Last evaluated: 2023-11-02. Review status: reviewed by expert panel. Criteria: ClinGen Platelet ACMG Specifications v2-1. Collection method: curation. Allele origin: germline. Inheritance: Autosomal recessive inheritance.
Comment: The c.1458C>G (p.Cys486Trp) variant has been reported in the literature in at least 1 compound heterozygous proband in trans with pathogenic variant Trp11Arg (PMID: 25373348) and a homozygote in an abstract (Von Bargen et al., 2018; PM3). One proband (PMID: 25373348) meets the criteria for PP4_Strong; including mucocutaneous bleeding, impaired aggregation with all agonists except ristocetin, and reduced surface expression of αIIbβ3 measured by flow cytometry. It is absent from gnomADv2.1.1 (PM2_supporting) and is predicted to have a deleterious effect (REVEL score of 0.909; PP3). In summary, this variant meets criteria to be classified as Likely Pathogenic for GT. GT-specific criteria applied: PM2_supporting, PM3, PP3, and PP4_strong.

Literature cited by the submitters: PubMed 25373348.